The following is an entry in ClinVar:

NM_001375524.1(TRRAP):c.9937C>T (p.Arg3313Cys)

Gene: TRRAP (transformation/transcription domain associated protein; plus strand). Cytogenetic location: 7q22.1.
Variant type: single nucleotide variant.
Coding change: c.9937C>T on transcript NM_001375524.1 (MANE Select); coding-DNA position 9937, C replaced by T.
Protein change: p.Arg3313Cys; replaces arginine 3313 with cysteine.
Molecular consequence: missense variant.
Genome position (GRCh38, 1-based): chr7:98,993,627, C>T. VCF-style: chr7-98993627-C-T. GRCh37 (hg19) VCF-style: chr7-98591250-C-T.
Other names: c.9895C>T, p.Arg3299Cys (NM_001244580.2); c.9808C>T, p.Arg3270Cys (NM_003496.4); short protein forms R3270C, R3299C, R3313C.
Identifiers: ClinVar variation 1448593 (VCV001448593.6), dbSNP rs2116810592, ClinGen allele CA368331216.

ClinVar aggregate classification (germline): Uncertain significance (1 of 4 stars; one submission).

Submission:

Labcorp Genetics (formerly Invitae), Labcorp
Classification: Uncertain significance. Last evaluated: 2022-08-15. Review status: criteria provided, single submitter. Criteria: Invitae Variant Classification Sherloc (09022015). Collection method: clinical testing. Allele origin: germline.
Comment: This variant has not been reported in the literature in individuals affected with TRRAP-related conditions. This sequence change replaces arginine, which is basic and polar, with cysteine, which is neutral and slightly polar, at codon 3270 of the TRRAP protein (p.Arg3270Cys). This variant is not present in population databases (gnomAD no frequency). ClinVar contains an entry for this variant (Variation ID: 1448593). Algorithms developed to predict the effect of missense changes on protein structure and function are either unavailable or do not agree on the potential impact of this missense change (SIFT: "Deleterious"; PolyPhen-2: "Probably Damaging"; Align-GVGD: "Class C0"). In summary, the available evidence is currently insufficient to determine the role of this variant in disease. Therefore, it has been classified as a Variant of Uncertain Significance.